The following is an entry in ClinVar:

NM_138615.3(DHX30):c.1593C>T (p.Ala531=)

Gene: DHX30 (DExH-box helicase 30; plus strand). Cytogenetic location: 3p21.31.
Variant type: single nucleotide variant.
Coding change: c.1593C>T on transcript NM_138615.3 (MANE Select); coding-DNA position 1593, C replaced by T.
Protein change: p.Ala531=; no amino-acid change (alanine 531 retained).
Molecular consequence: synonymous variant.
Genome position (GRCh38, 1-based): chr3:47,846,665, C>T. VCF-style: chr3-47846665-C-T. GRCh37 (hg19) VCF-style: chr3-47888155-C-T.
Other names: c.1509C>T, p.Ala503= (NM_001330990.2); c.1476C>T, p.Ala492= (NM_014966.4).
Identifiers: ClinVar variation 3025534 (VCV003025534.22), dbSNP rs372319935, ClinGen allele CA2369934.

ClinVar aggregate classification (germline): Likely benign (1 of 4 stars; one submission).

Allele frequency attached by ClinVar (database versions not stated): gnomAD exomes below 0.00001; ExAC 0.00001; TOPMed 0.00006; gnomAD 0.00007; ESP Exome Variant Server 0.00008.
gnomAD v4.1: 15 of 1,613,954 alleles (0.00093%); highest among the groups gnomAD compares: African/African-American, 0.02%; no homozygotes.

Submission:

CeGaT Center for Human Genetics Tuebingen
Classification: Likely benign. Last evaluated: 2024-01-01. Review status: criteria provided, single submitter. Criteria: CeGaT Center For Human Genetics Tuebingen Variant Classification Criteria Version 2. Collection method: clinical testing. Allele origin: germline. Affected: yes. Observed: 1 variant allele.
Comment: DHX30: BP4, BP7